The following is an entry in ClinVar:

NM_032043.3(BRIP1):c.3610A>C (p.Ser1204Arg)

Gene: BRIP1 (BRCA1 interacting DNA helicase 1; minus strand). Cytogenetic location: 17q23.2.
Variant type: single nucleotide variant.
Coding change: c.3610A>C on transcript NM_032043.3 (MANE Select); coding-DNA position 3610, A replaced by C.
Protein change: p.Ser1204Arg; replaces serine 1204 with arginine.
Molecular consequence: missense variant.
Genome position (GRCh38, 1-based): chr17:61,683,436, T>G on the plus strand (A>C on the coding strand, the complement: BRIP1 is on the minus strand). VCF-style: chr17-61683436-T-G. GRCh37 (hg19) VCF-style: chr17-59760797-T-G.
Other names: short protein forms S1204R.
Identifiers: ClinVar variation 1733227 (VCV001733227.2), dbSNP rs2544553164, ClinGen allele CA400478044.

ClinVar aggregate classification (germline): Uncertain significance (1 of 4 stars; one submission).

Conditions:
Hereditary cancer-predisposing syndrome. Also called: Neoplastic Syndromes, Hereditary; Tumor predisposition; Hereditary Cancer Syndrome; Hereditary neoplastic syndrome. Identifiers: Orphanet 140162, MedGen C0027672, MeSH D009386, MONDO:0015356.

Submission:

Ambry Genetics
Classification: Uncertain significance for Hereditary cancer-predisposing syndrome. Last evaluated: 2021-07-31. Review status: criteria provided, single submitter. Criteria: Ambry Variant Classification Scheme 2023. Collection method: clinical testing. Allele origin: germline.
Comment: The p.S1204R variant (also known as c.3610A>C), located in coding exon 19 of the BRIP1 gene, results from an A to C substitution at nucleotide position 3610. The serine at codon 1204 is replaced by arginine, an amino acid with dissimilar properties. This amino acid position is conserved. In addition, this alteration is predicted to be tolerated by in silico analysis. Since supporting evidence is limited at this time, the clinical significance of this alteration remains unclear.